The following is an entry in ClinVar:

NC_000013.10:g.(?_101997597)_(101997791_?)del

Gene: NALCN (sodium leak channel, non-selective; minus strand). Cytogenetic location: 13q33.1.
Variant type: Deletion.
Identifiers: ClinVar variation 3244225 (VCV003244225.1).

ClinVar aggregate classification (germline): Pathogenic (1 of 4 stars; one submission).

Submission:

Labcorp Genetics (formerly Invitae), Labcorp
Classification: Pathogenic. Last evaluated: 2024-01-19. Review status: criteria provided, single submitter. Criteria: Invitae Variant Classification Sherloc (09022015). Collection method: clinical testing. Allele origin: unknown.
Comment: This variant is a gross deletion of the genomic region encompassing exon(s) 7 of the NALCN gene. This deletion is out-of-frame, and is expected to create a premature termination codon and result in an absent or disrupted protein product. Loss-of-function variants in NALCN are known to be pathogenic (PMID: 23749988, 24075186). This variant has not been reported in the literature in individuals affected with NALCN-related conditions. For these reasons, this variant has been classified as Pathogenic.

Literature cited by the submitters: PubMed 23749988; PubMed 24075186.